The following is an entry in ClinVar:

ClinVar aggregate classification (germline): Uncertain significance (1 of 4 stars; one submission).

Conditions:
Kleefstra syndrome 1 (KLEFS1). Identifiers: Orphanet 261494, MedGen C0795833, MONDO:0027407, OMIM 610253.

Allele frequency attached by ClinVar (database versions not stated): gnomAD exomes below 0.00001.

Submission:

Labcorp Genetics (formerly Invitae), Labcorp
Classification: Uncertain significance for Kleefstra syndrome 1. Last evaluated: 2025-09-08. Review status: criteria provided, single submitter. Criteria: Invitae Variant Classification Sherloc (09022015). Collection method: clinical testing. Allele origin: germline.
Comment: This sequence change replaces serine, which is neutral and polar, with cysteine, which is neutral and slightly polar, at codon 897 of the EHMT1 protein (p.Ser897Cys). This variant is not present in population databases (gnomAD no frequency). This variant has not been reported in the literature in individuals affected with EHMT1-related conditions. ClinVar contains an entry for this variant (Variation ID: 2190055). Invitae Evidence Modeling of protein sequence and biophysical properties (such as structural, functional, and spatial information, amino acid conservation, physicochemical variation, residue mobility, and thermodynamic stability) indicates that this missense variant is not expected to disrupt EHMT1 protein function with a negative predictive value of 80%. In summary, the available evidence is currently insufficient to determine the role of this variant in disease. Therefore, it has been classified as a Variant of Uncertain Significance.

NM_024757.5(EHMT1):c.2690C>G (p.Ser897Cys)

Gene: EHMT1 (euchromatic histone lysine methyltransferase 1; plus strand). Cytogenetic location: 9q34.3.
Variant type: single nucleotide variant.
Coding change: c.2690C>G on transcript NM_024757.5 (MANE Select); coding-DNA position 2690, C replaced by G.
Protein change: p.Ser897Cys; replaces serine 897 with cysteine.
Molecular consequence: missense variant.
Genome position (GRCh38, 1-based): chr9:137,800,962, C>G. VCF-style: chr9-137800962-C-G. GRCh37 (hg19) VCF-style: chr9-140695414-C-G.
Other names: c.2669C>G, p.Ser890Cys (NM_001354263.2); short protein forms S897C, S890C.
Identifiers: ClinVar variation 2190055 (VCV002190055.4), dbSNP rs2538415313, ClinGen allele CA375789000.